The following is an entry in ClinVar:

ClinVar aggregate classification (germline): Likely benign (1 of 4 stars; one submission).

Conditions:
SDCCAG8-related disorder. Also called: SDCCAG8-related condition; SDCCAG8-Related Disorders.

Submission:

PreventionGenetics, part of Exact Sciences
Classification: Likely benign for SDCCAG8-related condition. Last evaluated: 2026-07-29. Review status: criteria provided, single submitter. Criteria: ACMG Guidelines, 2015. Collection method: clinical testing. Allele origin: germline.
Comment: This variant is classified as likely benign based on ACMG/AMP sequence variant interpretation guidelines (Richards et al. 2015 PMID: 25741868, with internal and published modifications).

NM_006642.5(SDCCAG8):c.672A>G (p.Glu224=)

Gene: SDCCAG8 (SHH signaling and ciliogenesis regulator SDCCAG8; plus strand). Cytogenetic location: 1q43.
Variant type: single nucleotide variant.
Coding change: c.672A>G on transcript NM_006642.5 (MANE Select); coding-DNA position 672, A replaced by G.
Protein change: p.Glu224=; no amino-acid change (glutamic acid 224 retained).
Molecular consequence: synonymous variant. On other transcripts: 5 prime UTR variant (3).
Genome position (GRCh38, 1-based): chr1:243,293,216, A>G. VCF-style: chr1-243293216-A-G. GRCh37 (hg19) VCF-style: chr1-243456518-A-G.
Other names: c.-441A>G (NM_001350246.2); c.-329A>G (NM_001350247.2); c.672A>G, p.Glu224= (NM_001350248.2); c.378A>G, p.Glu126= (NM_001350249.2); c.-702A>G (NM_001350251.2).
Identifiers: ClinVar variation 4996092 (VCV004996092.1).